The following is an entry in ClinVar:

NM_001042492.3(NF1):c.2907G>A (p.Lys969=)

Gene: NF1 (neurofibromin 1; plus strand). Cytogenetic location: 17q11.2.
Variant type: single nucleotide variant.
Coding change: c.2907G>A on transcript NM_001042492.3 (MANE Select); coding-DNA position 2907, G replaced by A.
Protein change: p.Lys969=; no amino-acid change (lysine 969 retained).
Molecular consequence: synonymous variant.
Genome position (GRCh38, 1-based): chr17:31,229,891, G>A. VCF-style: chr17-31229891-G-A. GRCh37 (hg19) VCF-style: chr17-29556909-G-A.
Other names: c.2907G>A, p.Lys969= (NM_000267.4).
Identifiers: ClinVar variation 5042327 (VCV005042327.1).
Genomic context (GRCh38, chr17:31,229,891, plus strand): 5'-TTAGGTTTTATTGACTGATACCAATACTCAATTTGTAGAACAAACCATAGCTATAATGAA[G>A]AACTTGCTAGATAATCATACTGAAGGCAGCTCTGAACATCTAGGGCAAGCTAGCATTGAA-3'
Protein context (NP_001035957.1, residues 959-979): QFVEQTIAIM[Lys969=]NLLDNHTEGS

ClinVar aggregate classification (germline): Benign (1 of 4 stars; one submission).

Conditions:
Neurofibromatosis, type 1 (NF1). Also called: VON RECKLINGHAUSEN DISEASE; NEUROFIBROMATOSIS, TYPE I, SOMATIC; Peripheral type neurofibromatosis; Neurofibromatosis, type I. Identifiers: Orphanet 636, MedGen C0027831, MONDO:0018975, OMIM 162200. Disease mechanism: loss of function.

Submission:

Myriad Genetics, Inc.
Classification: Benign for Neurofibromatosis, type 1. Last evaluated: 2026-09-29. Review status: criteria provided, single submitter. Criteria: Myriad Autosomal Dominant, Autosomal Recessive and X-Linked Classification Criteria (2023). Collection method: clinical testing. Allele origin: unknown.
Comment: This variant is considered benign. This variant is a silent/synonymous amino acid change and it is not expected to impact splicing.